The following is an entry in ClinVar:

NM_006208.3(ENPP1):c.1635A>G (p.Gln545=)

Gene: ENPP1 (ectonucleotide pyrophosphatase/phosphodiesterase 1; plus strand). Cytogenetic location: 6q23.2.
Variant type: single nucleotide variant.
Coding change: c.1635A>G on transcript NM_006208.3 (MANE Select); coding-DNA position 1635, A replaced by G.
Protein change: p.Gln545=; no amino-acid change (glutamine 545 retained).
Molecular consequence: synonymous variant.
Genome position (GRCh38, 1-based): chr6:131,874,337, A>G. VCF-style: chr6-131874337-A-G. GRCh37 (hg19) VCF-style: chr6-132195477-A-G.
Identifiers: ClinVar variation 2092055 (VCV002092055.4), dbSNP rs763596909, ClinGen allele CA4002265.

ClinVar aggregate classification (germline): Uncertain significance (1 of 4 stars; one submission).

Allele frequency attached by ClinVar (database versions not stated): gnomAD exomes below 0.00001; TOPMed below 0.00001; ExAC 0.00002.
gnomAD v4.1: 5 of 1,552,906 alleles (0.00032%); highest among the groups gnomAD compares: South Asian, 0.0045%; no homozygotes.

Submission:

Labcorp Genetics (formerly Invitae), Labcorp
Classification: Uncertain significance. Last evaluated: 2022-03-08. Review status: criteria provided, single submitter. Criteria: Invitae Variant Classification Sherloc (09022015). Collection method: clinical testing. Allele origin: germline.
Comment: In summary, the available evidence is currently insufficient to determine the role of this variant in disease. Therefore, it has been classified as a Variant of Uncertain Significance. Algorithms developed to predict the effect of sequence changes on RNA splicing suggest that this variant is not likely to affect RNA splicing. This variant has not been reported in the literature in individuals affected with ENPP1-related conditions. This variant is present in population databases (rs763596909, gnomAD 0.003%). This sequence change affects codon 545 of the ENPP1 mRNA. It is a 'silent' change, meaning that it does not change the encoded amino acid sequence of the ENPP1 protein. It affects a nucleotide within the consensus splice site.